The following is an entry in ClinVar:

ClinVar aggregate classification (germline): Benign. Review status: criteria provided, multiple submitters, no conflicts (2 of 4 stars). 3 submissions from 3 submitters: Benign (3). Last evaluated 2025-10-02.

Conditions:
Age related macular degeneration 4. Identifiers: MedGen C1853147, MONDO:0012540, OMIM 610698.
Basal laminar drusen. Also called: DRUSEN OF BRUCH MEMBRANE; DRUSEN, CUTICULAR; DRUSEN, EARLY ADULT-ONSET, GROUPED. Identifiers: Orphanet 75376, MedGen C0730295, MONDO:0007472, OMIM 126700.
Factor H deficiency (CFHD). Also called: CFH DEFICIENCY; COMPLEMENT FACTOR H DEFICIENCY. Identifiers: Orphanet 200421, MedGen C0398777, MONDO:0012350, OMIM 609814.
Atypical hemolytic-uremic syndrome. Identifiers: Orphanet 2134, MedGen C2931788, MONDO:0016244.

Allele frequency attached by ClinVar (database versions not stated): gnomAD exomes 0.62270; gnomAD 0.64964 and 0.65618; TOPMed 0.67588; 1000 Genomes Project 30x 0.75047; 1000 Genomes Project 0.75459.
gnomAD v4.1: 586,889 of 934,154 alleles (63%); highest among the groups gnomAD compares: East Asian, 94%; 188,747 homozygotes.

Submissions (3):

Genomenon, Inc
Classification: Benign for Basal laminar drusen; Age related macular degeneration 4; Atypical hemolytic-uremic syndrome; Factor H deficiency. Last evaluated: 2025-10-02. Review status: criteria provided, single submitter. Criteria: Genomenon Sequence Variant Interpretation Standards - Updated. Collection method: curation. Allele origin: germline. Affected: no.
Comment: CFH c.1520-98G>T is an intronic variant located in intron 9. This variant is present at high allele frequency in population databases. In conclusion, we classify CFH c.1520-98G>T as a benign variant.

GeneDx
Classification: Benign. Last evaluated: 2021-05-10. Review status: criteria provided, single submitter. Criteria: GeneDx Variant Classification Process June 2021. Collection method: clinical testing. Allele origin: germline. Affected: yes.

Breakthrough Genomics
Classification: Benign. Review status: criteria provided, single submitter. Criteria: ACMG Guidelines, 2015. Collection method: not provided. Allele origin: germline. Inheritance: Autosomal recessive inheritance. Affected: yes.

NM_000186.4(CFH):c.1520-98G>T

Gene: CFH (complement factor H; plus strand). Cytogenetic location: 1q31.3.
Variant type: single nucleotide variant.
Coding change: c.1520-98G>T on transcript NM_000186.4 (MANE Select); 98 bases into the intron before coding-DNA position 1520, G replaced by T.
Molecular consequence: intron variant.
Genome position (GRCh38, 1-based): chr1:196,715,495, G>T. VCF-style: chr1-196715495-G-T. GRCh37 (hg19) VCF-style: chr1-196684625-G-T.
Identifiers: ClinVar variation 1258057 (VCV001258057.4), dbSNP rs203674, ClinGen allele CA10821110.